The following is an entry in ClinVar:

ClinVar aggregate classification (germline): Conflicting classifications of pathogenicity. Review status: criteria provided, conflicting classifications (1 of 4 stars). 4 submissions from 4 submitters: Uncertain significance (2); Likely benign (2). Last evaluated 2025-11-30.

Conditions:
IL2RB-related disorder. Also called: IL2RB-related condition.

Allele frequency attached by ClinVar (database versions not stated): TOPMed 0.00048; ExAC 0.00049; ESP Exome Variant Server 0.00062; gnomAD exomes 0.00074 and 0.00046; 1000 Genomes Project 30x 0.00031; 1000 Genomes Project 0.00040; gnomAD 0.00046 and 0.00048.
gnomAD v4.1: 1,161 of 1,612,904 alleles (0.072%); highest among the groups gnomAD compares: Non-Finnish European, 0.09%; 1 homozygote.

Submissions (4):

Mayo Clinic Laboratories, Mayo Clinic
Classification: Likely benign. Last evaluated: 2025-11-30. Review status: criteria provided, single submitter. Criteria: ACMG Guidelines, 2015. Collection method: clinical testing. Allele origin: germline. Observed: 4 variant alleles.
Comment: BS1, BP4_moderate

Labcorp Genetics (formerly Invitae), Labcorp
Classification: Uncertain significance. Last evaluated: 2025-01-17. Review status: criteria provided, single submitter. Criteria: Invitae Variant Classification Sherloc (09022015). Collection method: clinical testing. Allele origin: germline.
Comment: This sequence change replaces threonine, which is neutral and polar, with methionine, which is neutral and non-polar, at codon 197 of the IL2RB protein (p.Thr197Met). This variant is present in population databases (rs143330463, gnomAD 0.1%), and has an allele count higher than expected for a pathogenic variant. This variant has not been reported in the literature in individuals affected with IL2RB-related conditions. ClinVar contains an entry for this variant (Variation ID: 1461500). An algorithm developed to predict the effect of missense changes on protein structure and function outputs the following: PolyPhen-2: "Benign". The methionine amino acid residue is found in multiple mammalian species, which suggests that this missense change does not adversely affect protein function. In summary, the available evidence is currently insufficient to determine the role of this variant in disease. Therefore, it has been classified as a Variant of Uncertain Significance.

Blueprint Genetics
Classification: Likely benign. Last evaluated: 2024-11-13. Review status: criteria provided, single submitter. Criteria: ACMG Guidelines, 2015. Collection method: clinical testing. Allele origin: germline.

PreventionGenetics, part of Exact Sciences
Classification: Uncertain significance for IL2RB-related condition. Last evaluated: 2022-11-07. Review status: criteria provided, single submitter. Criteria: ACMG Guidelines, 2015. Collection method: clinical testing. Allele origin: germline.
Comment: The IL2RB c.590C>T variant is predicted to result in the amino acid substitution p.Thr197Met. This variant was reported in an individual with presumed ocular histoplasmosis syndrome (POHS) and intermediate uveitis (Supplemental Table S2, Li et al 2020. PubMed ID: 32707200). This variant is reported in 0.11% of alleles in individuals of Ashkenazi Jewish descent in gnomAD. At this time, the clinical significance of this variant is uncertain due to the absence of conclusive functional and genetic evidence.

Literature cited by the submitters: PubMed 32707200 (cited by Mayo Clinic Laboratories, Mayo Clinic).

NM_000878.5(IL2RB):c.590C>T (p.Thr197Met)

Gene: IL2RB (interleukin 2 receptor subunit beta; minus strand). Cytogenetic location: 22q12.3.
Variant type: single nucleotide variant.
Coding change: c.590C>T on transcript NM_000878.5 (MANE Select); coding-DNA position 590, C replaced by T.
Protein change: p.Thr197Met; replaces threonine 197 with methionine.
Molecular consequence: missense variant.
Genome position (GRCh38, 1-based): chr22:37,136,341, G>A on the plus strand (C>T on the coding strand, the complement: IL2RB is on the minus strand). VCF-style: chr22-37136341-G-A. GRCh37 (hg19) VCF-style: chr22-37532381-G-A.
Other names: p.Thr197Met; c.590C>T, p.Thr197Met (NM_001346222.1, NM_001346223.2); c.590C>T (NM_000878.4); short protein forms T197M.
Identifiers: ClinVar variation 1461500 (VCV001461500.7), dbSNP rs143330463, ClinGen allele CA10216576.